The following is an entry in ClinVar:

NM_001190787.3(MCIDAS):c.382G>A (p.Asp128Asn)

Gene: MCIDAS (multiciliate differentiation and DNA synthesis associated cell cycle protein; minus strand). Cytogenetic location: 5q11.2.
Variant type: single nucleotide variant.
Coding change: c.382G>A on transcript NM_001190787.3 (MANE Select); coding-DNA position 382, G replaced by A.
Protein change: p.Asp128Asn; replaces aspartic acid 128 with asparagine.
Molecular consequence: missense variant.
Genome position (GRCh38, 1-based): chr5:55,222,951, C>T on the plus strand (G>A on the coding strand, the complement: MCIDAS is on the minus strand). VCF-style: chr5-55222951-C-T. GRCh37 (hg19) VCF-style: chr5-54518779-C-T.
Other names: short protein forms D128N.
Identifiers: ClinVar variation 2585452 (VCV002585452.1), dbSNP rs2478515378, ClinGen allele CA359732899.

ClinVar aggregate classification (germline): Uncertain significance (1 of 4 stars; one submission).

Conditions:
Ciliary dyskinesia, primary, 42. Also called: CILIARY DYSKINESIA, PRIMARY, 42, WITHOUT SITUS INVERSUS. Identifiers: MedGen C5231464, MONDO:0032872, OMIM 618695.

Submission:

Neuberg Centre For Genomic Medicine, NCGM
Classification: Uncertain significance for Ciliary dyskinesia, primary, 42. Review status: criteria provided, single submitter. Criteria: ACMG Guidelines, 2015. Collection method: clinical testing. Allele origin: germline. Inheritance: Autosomal recessive inheritance. Affected: yes.
Comment: The missense variant in c.382G>A(p.Asp128Asn) in MCIDAS gene has not been reported previously as a pathogenic variant nor as a benign variant, to our knowledge. The p.Asp128Asn variant is novel (not in any individuals) in gnomAD Exomes and 1000 Genomes. The amino acid Asp at position 128 is changed to a Asn changing protein sequence and it might alter its composition and physico-chemical properties. The amino acid change p.Asp128Asn in MCIDAS is predicted as conserved by GERP++ and PhyloP across 100 vertebrates. For these reasons, this variant has been classified as Uncertain Significance.